The following is an entry in ClinVar:

ClinVar aggregate classification (germline): Uncertain significance (1 of 4 stars; one submission).

Allele frequency attached by ClinVar (database versions not stated): TOPMed 0.00002; gnomAD 0.00003; ExAC 0.00005.
gnomAD v4.1: 40 of 1,612,796 alleles (0.0025%); highest among the groups gnomAD compares: South Asian, 0.012%; no homozygotes.

Submission:

Labcorp Genetics (formerly Invitae), Labcorp
Classification: Uncertain significance. Last evaluated: 2022-05-22. Review status: criteria provided, single submitter. Criteria: Invitae Variant Classification Sherloc (09022015). Collection method: clinical testing. Allele origin: germline.
Comment: This sequence change replaces alanine, which is neutral and non-polar, with threonine, which is neutral and polar, at codon 623 of the ABCC6 protein (p.Ala623Thr). This variant also falls at the last nucleotide of exon 14, which is part of the consensus splice site for this exon. This variant is present in population databases (rs764724652, gnomAD 0.02%). This variant has not been reported in the literature in individuals affected with ABCC6-related conditions. Algorithms developed to predict the effect of missense changes on protein structure and function output the following: SIFT: "Tolerated"; PolyPhen-2: "Benign"; Align-GVGD: "Class C0". The threonine amino acid residue is found in multiple mammalian species, which suggests that this missense change does not adversely affect protein function. Variants that disrupt the consensus splice site are a relatively common cause of aberrant splicing (PMID: 17576681, 9536098). In summary, the available evidence is currently insufficient to determine the role of this variant in disease. Therefore, it has been classified as a Variant of Uncertain Significance.

Literature cited by the submitters: PubMed 17576681; PubMed 9536098.

NM_001171.6(ABCC6):c.1867G>A (p.Ala623Thr)

Gene: ABCC6 (ATP binding cassette subfamily C member 6; minus strand). Cytogenetic location: 16p13.11.
Variant type: single nucleotide variant.
Coding change: c.1867G>A on transcript NM_001171.6 (MANE Select); coding-DNA position 1867, G replaced by A.
Protein change: p.Ala623Thr; replaces alanine 623 with threonine.
Molecular consequence: missense variant. On other transcripts: non-coding transcript variant (1).
Genome position (GRCh38, 1-based): chr16:16,187,124, C>T on the plus strand (G>A on the coding strand, the complement: ABCC6 is on the minus strand). VCF-style: chr16-16187124-C-T. GRCh37 (hg19) VCF-style: chr16-16280981-C-T.
Other names: c.1525G>A, p.Ala509Thr (NM_001351800.1); short protein forms A623T, A509T.
Identifiers: ClinVar variation 1902507 (VCV001902507.2), dbSNP rs764724652, ClinGen allele CA7926136.
Genomic context (GRCh38, chr16:16,187,124, plus strand): 5'-TGGGGTGGCCCCCACATCCCCCATCCCTCCCACACCCCTCCTGCCAGACTCAGCACTCAC[C>T]GCTTCCAGAGGAACTTGAGTCTACGACACCAGGGTCAACTTCTTCCAGGCAGAGGAAGGT-3'
Protein context (NP_001162.5, residues 613-633): GVVDSSSSGS[Ala623Thr]AGKDCITIHS